The following is an entry in ClinVar:

NM_000287.4(PEX6):c.1550G>A (p.Arg517Gln)

Gene: PEX6 (peroxisomal biogenesis factor 6; minus strand). Cytogenetic location: 6p21.1.
Variant type: single nucleotide variant.
Coding change: c.1550G>A on transcript NM_000287.4 (MANE Select); coding-DNA position 1550, G replaced by A.
Protein change: p.Arg517Gln; replaces arginine 517 with glutamine.
Molecular consequence: missense variant. On other transcripts: non-coding transcript variant (1).
Genome position (GRCh38, 1-based): chr6:42,968,428, C>T on the plus strand (G>A on the coding strand, the complement: PEX6 is on the minus strand). VCF-style: chr6-42968428-C-T. GRCh37 (hg19) VCF-style: chr6-42936166-C-T.
Other names: c.1286G>A, p.Arg429Gln (NM_001316313.2); short protein forms R517Q, R429Q.
Identifiers: ClinVar variation 597143 (VCV000597143.11), dbSNP rs371782808, ClinGen allele CA3811299.

ClinVar aggregate classification (germline): Uncertain significance. Review status: criteria provided, multiple submitters, no conflicts (2 of 4 stars). 5 submissions from 5 submitters: Uncertain significance (3). 2 of the submissions do not count toward it. Last evaluated 2026-06-30.

Conditions:
PEX6-related disorder. Also called: PEX6-related condition; PEX6-related disorders.
Zellweger spectrum disorders (ZS). Also called: Zellweger Spectrum Disorder; Zellweger Spectrum; Zellweger Spectrum Disorder (ZSD); Zellweger syndrome. Identifiers: Orphanet 912, MedGen C0043459, MONDO:0019609.
Peroxisome biogenesis disorder. Identifiers: Orphanet 79189, MedGen C1832200, MONDO:0019234. Disease mechanism: loss of function.

Allele frequency attached by ClinVar (database versions not stated): ExAC 0.00002; gnomAD exomes 0.00002; TOPMed 0.00002; gnomAD 0.00006; ESP Exome Variant Server 0.00015.
gnomAD v4.1: 48 of 1,611,736 alleles (0.003%); highest among the groups gnomAD compares: East Asian, 0.0045%; no homozygotes.

Submissions (5):

Women's Health and Genetics/Laboratory Corporation of America, LabCorp
Classification: Uncertain significance. Last evaluated: 2026-06-30. Review status: criteria provided, single submitter. Criteria: LabCorp Variant Classification Summary - May 2015. Collection method: clinical testing. Allele origin: germline.
Comment: Variant summary: PEX6 c.1550G>A (p.Arg517Gln) results in a conservative amino acid change in the encoded protein sequence. Algorithms developed to predict the effect of missense changes on protein structure and function are either unavailable or do not agree on the potential impact of this missense change. The variant allele was found at a frequency of 2.5e-05 in 241186 control chromosomes. The available data on variant occurrences in the general population are insufficient to allow any conclusion about variant significance. To our knowledge, no occurrence of c.1550G>A in individuals affected with PEX6-related conditions and no experimental evidence demonstrating its impact on protein function have been reported. ClinVar contains an entry for this variant (Variation ID: 597143). Based on the evidence outlined above, the variant was classified as uncertain significance.

Labcorp Genetics (formerly Invitae), Labcorp
Classification: Uncertain significance for Peroxisome biogenesis disorder. Last evaluated: 2022-09-27. Review status: criteria provided, single submitter. Criteria: Invitae Variant Classification Sherloc (09022015). Collection method: clinical testing. Allele origin: germline.
Comment: This sequence change replaces arginine, which is basic and polar, with glutamine, which is neutral and polar, at codon 517 of the PEX6 protein (p.Arg517Gln). This variant is present in population databases (rs371782808, gnomAD 0.01%). This variant has not been reported in the literature in individuals affected with PEX6-related conditions. ClinVar contains an entry for this variant (Variation ID: 597143). Advanced modeling of protein sequence and biophysical properties (such as structural, functional, and spatial information, amino acid conservation, physicochemical variation, residue mobility, and thermodynamic stability) performed at Invitae indicates that this missense variant is not expected to disrupt PEX6 protein function. Algorithms developed to predict the effect of sequence changes on RNA splicing suggest that this variant may create or strengthen a splice site. In summary, the available evidence is currently insufficient to determine the role of this variant in disease. Therefore, it has been classified as a Variant of Uncertain Significance.

Eurofins Ntd Llc (ga)
Classification: Uncertain significance. Last evaluated: 2018-05-08. Review status: criteria provided, single submitter. Criteria: EGL ClinVar v180209 classification definitions. Collection method: clinical testing. Allele origin: germline. Observed: 1 variant allele, 1 heterozygote.

PreventionGenetics, part of Exact Sciences
Classification: Uncertain significance for PEX6-related condition. Last evaluated: 2024-05-02. Review status: no assertion criteria provided. Collection method: clinical testing. Allele origin: germline. Not counted in ClinVar's aggregate classification.
Comment: The PEX6 c.1550G>A variant is predicted to result in the amino acid substitution p.Arg517Gln. To our knowledge, this variant has not been reported in the literature. This variant is reported in 0.010% of alleles in individuals of East Asian descent in gnomAD. At this time, the clinical significance of this variant is uncertain due to the absence of conclusive functional and genetic evidence.

Natera, Inc.
Classification: Uncertain significance for Zellweger syndrome. Last evaluated: 2019-10-28. Review status: no assertion criteria provided. Collection method: clinical testing. Allele origin: germline. Not counted in ClinVar's aggregate classification.